The following is an entry in ClinVar:

ClinVar aggregate classification (germline): Uncertain significance (1 of 4 stars; one submission).

Submission:

Labcorp Genetics (formerly Invitae), Labcorp
Classification: Uncertain significance. Last evaluated: 2023-06-30. Review status: criteria provided, single submitter. Criteria: Invitae Variant Classification Sherloc (09022015). Collection method: clinical testing. Allele origin: germline.
Comment: This sequence change replaces threonine, which is neutral and polar, with isoleucine, which is neutral and non-polar, at codon 61 of the RDH5 protein (p.Thr61Ile). This variant is not present in population databases (gnomAD no frequency). This variant has not been reported in the literature in individuals affected with RDH5-related conditions. ClinVar contains an entry for this variant (Variation ID: 1021678). Advanced modeling of protein sequence and biophysical properties (such as structural, functional, and spatial information, amino acid conservation, physicochemical variation, residue mobility, and thermodynamic stability) performed at Invitae indicates that this missense variant is expected to disrupt RDH5 protein function. In summary, the available evidence is currently insufficient to determine the role of this variant in disease. Therefore, it has been classified as a Variant of Uncertain Significance.

NM_002905.5(RDH5):c.182C>T (p.Thr61Ile)

Genes: BLOC1S1-RDH5 (BLOC1S1-RDH5 readthrough; plus strand), RDH5 (retinol dehydrogenase 5; plus strand). Cytogenetic location: 12q13.2.
Variant type: single nucleotide variant.
Coding change: c.182C>T on transcript NM_002905.5 (MANE Select); coding-DNA position 182, C replaced by T.
Protein change: p.Thr61Ile; replaces threonine 61 with isoleucine.
Molecular consequence: missense variant.
Genome position (GRCh38, 1-based): chr12:55,721,366, C>T. VCF-style: chr12-55721366-C-T. GRCh37 (hg19) VCF-style: chr12-56115150-C-T.
Other names: c.182C>T, p.Thr61Ile (NM_001199771.3); short protein forms T61I.
Identifiers: ClinVar variation 1021678 (VCV001021678.9), dbSNP rs1445522642, ClinGen allele CA385199848.
Genomic context (GRCh38, chr12:55,721,366, plus strand): 5'-GGCGCCTTCTGGCACTGCAGCTGGACCAGAGAGGCTTCCGAGTCCTGGCCAGCTGCCTGA[C>T]CCCCTCCGGGGCCGAGGACCTGCAGCGGGTGGCCTCCTCCCGCCTCCACACCACCCTGTT-3'
Protein context (NP_002896.2, residues 51-71): RGFRVLASCL[Thr61Ile]PSGAEDLQRV